The following is an entry in ClinVar:

NM_020778.5(ALPK3):c.4475C>T (p.Ala1492Val)

Gene: ALPK3 (alpha kinase 3; plus strand). Cytogenetic location: 15q25.3.
Variant type: single nucleotide variant.
Coding change: c.4475C>T on transcript NM_020778.5 (MANE Select); coding-DNA position 4475, C replaced by T.
Protein change: p.Ala1492Val; replaces alanine 1492 with valine.
Molecular consequence: missense variant.
Genome position (GRCh38, 1-based): chr15:84,863,616, C>T. VCF-style: chr15-84863616-C-T. GRCh37 (hg19) VCF-style: chr15-85406847-C-T.
Other names: short protein forms A1492V.
Identifiers: ClinVar variation 1419495 (VCV001419495.12), dbSNP rs538810746, ClinGen allele CA273632129.

ClinVar aggregate classification (germline): Conflicting classifications of pathogenicity. Review status: criteria provided, conflicting classifications (1 of 4 stars). 3 submissions from 3 submitters: Uncertain significance (2); Likely benign (1). Last evaluated 2026-04-14.

Conditions:
ALPK3-related disorder. Also called: ALPK3-related condition.
Cardiovascular phenotype. Identifiers: MedGen CN230736.

Allele frequency attached by ClinVar (database versions not stated): gnomAD 0.00001 and 0.00003; gnomAD exomes 0.00001; TOPMed 0.00001.
gnomAD v4.1: 15 of 1,614,030 alleles (0.00093%); highest among the groups gnomAD compares: African/African-American, 0.004%; no homozygotes.

Submissions (3):

PreventionGenetics, part of Exact Sciences
Classification: Uncertain significance for ALPK3-related condition. Last evaluated: 2026-04-14. Review status: criteria provided, single submitter. Criteria: ACMG Guidelines, 2015. Collection method: clinical testing. Allele origin: germline.
Comment: The ALPK3 c.5081C>T variant is predicted to result in the amino acid substitution p.Ala1694Val. To our knowledge, this variant has not been reported in the literature. This variant is reported in 0.0065% of alleles in individuals of European (Non-Finnish) descent in gnomAD. At this time, the clinical significance of this variant is uncertain due to the absence of conclusive functional and genetic evidence.

Labcorp Genetics (formerly Invitae), Labcorp
Classification: Uncertain significance. Last evaluated: 2025-03-16. Review status: criteria provided, single submitter. Criteria: Invitae Variant Classification Sherloc (09022015). Collection method: clinical testing. Allele origin: germline.
Comment: This sequence change replaces alanine, which is neutral and non-polar, with valine, which is neutral and non-polar, at codon 1694 of the ALPK3 protein (p.Ala1694Val). This variant is present in population databases (rs538810746, gnomAD 0.007%). This variant has not been reported in the literature in individuals affected with ALPK3-related conditions. ClinVar contains an entry for this variant (Variation ID: 1419495). Invitae Evidence Modeling of protein sequence and biophysical properties (such as structural, functional, and spatial information, amino acid conservation, physicochemical variation, residue mobility, and thermodynamic stability) indicates that this missense variant is not expected to disrupt ALPK3 protein function with a negative predictive value of 80%. In summary, the available evidence is currently insufficient to determine the role of this variant in disease. Therefore, it has been classified as a Variant of Uncertain Significance.

Ambry Genetics
Classification: Likely benign for Cardiovascular phenotype. Last evaluated: 2024-04-17. Review status: criteria provided, single submitter. Criteria: Ambry Variant Classification Scheme 2023. Collection method: clinical testing. Allele origin: germline.